The following is an entry in ClinVar:

NM_000321.3(RB1):c.1960+2T>G

Gene: RB1 (RB transcriptional corepressor 1; plus strand). Cytogenetic location: 13q14.2.
Variant type: single nucleotide variant.
Coding change: c.1960+2T>G on transcript NM_000321.3 (MANE Select); the canonical splice donor site of the intron after coding-DNA position 1960, T replaced by G.
Molecular consequence: splice donor variant.
Genome position (GRCh38, 1-based): chr13:48,456,351, T>G. VCF-style: chr13-48456351-T-G. GRCh37 (hg19) VCF-style: chr13-49030487-T-G.
Other names: c.1960+2T>G (NM_001407165.1).
Identifiers: ClinVar variation 943066 (VCV000943066.11), dbSNP rs587776780, ClinGen allele CA388166323.

ClinVar aggregate classification (germline): Pathogenic (1 of 4 stars; one submission).
ClinVar aggregate classification (somatic clinical impact): Tier II - Potential (1 of 4 stars; one submission).

Conditions:
Retinoblastoma (RB1). Also called: RETINOBLASTOMA, SOMATIC. Identifiers: Orphanet 790, MedGen C0035335, MeSH D012175, MONDO:0008380, OMIM 180200, HP:0009919. Disease mechanism: loss of function. Inheritance: Both sporadic and heritable forms are tested..
Diffuse pediatric-type high-grade glioma, H3-wildtype and IDH-wildtype. Identifiers: MedGen C5669918, MONDO:0858939.

Submissions (2):

Institute for Genomic Medicine (IGM) Clinical Laboratory, Nationwide Children's Hospital
Classification: Tier II - Potential for Diffuse pediatric-type high-grade glioma, H3-wildtype and IDH-wildtype. Assertion type: diagnostic. Clinical significance: supports diagnosis. Last evaluated: 2022-11-07. Review status: criteria provided, single submitter. Criteria: AMP/ASCO/CAP Guidelines, 2017. Collection method: clinical testing. Allele origin: somatic. Affected: yes.
Comment: Variant has Tier II (potential) clinical significance as a diagnostic inclusion criterion in diffuse pediatric-type high-grade glioma, H3-wildtype and IDH-wildtype, based on the following evidence: 1) Documented in one or more cancer databases (e.g., St. Jude Pecan, COSMIC, CIViC, OncoKB). 2) Diagnostic significance based on multiple small studies (Evidence Level C; PMIDs: 28966033, 34131647, 34848827).

Labcorp Genetics (formerly Invitae), Labcorp
Classification: Pathogenic for Retinoblastoma. Last evaluated: 2019-09-29. Review status: criteria provided, single submitter. Criteria: Invitae Variant Classification Sherloc (09022015). Collection method: clinical testing. Allele origin: germline.
Comment: For these reasons, this variant has been classified as Pathogenic. Donor and acceptor splice site variants typically lead to a loss of protein function (PMID: 16199547), and loss-of-function variants in RB1 are known to be pathogenic (PMID: 17096365). Algorithms developed to predict the effect of sequence changes on RNA splicing suggest that this variant may disrupt the consensus splice site, but this prediction has not been confirmed by published transcriptional studies. Disruption of this splice site has been observed in individuals affected with retinoblastoma (PMID: 24688104, 24225018, 7881418, 17096365, Invitae). This variant is not present in population databases (ExAC no frequency). This sequence change affects a donor splice site in intron 19 of the RB1 gene. It is expected to disrupt RNA splicing and likely results in an absent or disrupted protein product.

Literature cited by the submitters: PubMed 28966033 (cited by Institute for Genomic Medicine (IGM) Clinical Laboratory, Nationwide Children's Hospital); PubMed 34131647 (cited by Institute for Genomic Medicine (IGM) Clinical Laboratory, Nationwide Children's Hospital); PubMed 34848827 (cited by Institute for Genomic Medicine (IGM) Clinical Laboratory, Nationwide Children's Hospital); PubMed 16199547 (cited by Labcorp Genetics (formerly Invitae), Labcorp); PubMed 17096365 (cited by Labcorp Genetics (formerly Invitae), Labcorp); PubMed 24688104 (cited by Labcorp Genetics (formerly Invitae), Labcorp); PubMed 24225018 (cited by Labcorp Genetics (formerly Invitae), Labcorp); PubMed 7881418 (cited by Labcorp Genetics (formerly Invitae), Labcorp).